The following is an entry in ClinVar:

NM_017617.5(NOTCH1):c.4761C>G (p.Asn1587Lys)

Gene: NOTCH1 (notch receptor 1; minus strand). Cytogenetic location: 9q34.3.
Variant type: single nucleotide variant.
Coding change: c.4761C>G on transcript NM_017617.5 (MANE Select); coding-DNA position 4761, C replaced by G.
Protein change: p.Asn1587Lys; replaces asparagine 1587 with lysine.
Molecular consequence: missense variant.
Genome position (GRCh38, 1-based): chr9:136,504,930, G>C on the plus strand (C>G on the coding strand, the complement: NOTCH1 is on the minus strand). VCF-style: chr9-136504930-G-C. GRCh37 (hg19) VCF-style: chr9-139399382-G-C.
Other names: short protein forms N1587K.
Identifiers: ClinVar variation 1906095 (VCV001906095.5), dbSNP rs777947269, ClinGen allele CA375645151.

ClinVar aggregate classification (germline): Uncertain significance (1 of 4 stars; one submission).

Conditions:
Adams-Oliver syndrome 5 (AOS5). Identifiers: Orphanet 974, MedGen C4014970, MONDO:0014459, OMIM 616028.

gnomAD v4.1: 1 of 1,588,274 alleles (0.000063%); highest among the groups gnomAD compares: Non-Finnish European, 0.000086%; no homozygotes.

Submission:

Labcorp Genetics (formerly Invitae), Labcorp
Classification: Uncertain significance for Adams-Oliver syndrome 5. Last evaluated: 2024-03-09. Review status: criteria provided, single submitter. Criteria: Invitae Variant Classification Sherloc (09022015). Collection method: clinical testing. Allele origin: germline.
Comment: This sequence change replaces asparagine, which is neutral and polar, with lysine, which is basic and polar, at codon 1587 of the NOTCH1 protein (p.Asn1587Lys). This variant is not present in population databases (gnomAD no frequency). This variant has not been reported in the literature in individuals affected with NOTCH1-related conditions. ClinVar contains an entry for this variant (Variation ID: 1906095). Advanced modeling of protein sequence and biophysical properties (such as structural, functional, and spatial information, amino acid conservation, physicochemical variation, residue mobility, and thermodynamic stability) performed at Invitae indicates that this missense variant is not expected to disrupt NOTCH1 protein function with a negative predictive value of 80%. In summary, the available evidence is currently insufficient to determine the role of this variant in disease. Therefore, it has been classified as a Variant of Uncertain Significance.